The following is an entry in ClinVar:

ClinVar aggregate classification (germline): Uncertain significance (1 of 4 stars; one submission).

gnomAD v4.1: 2 of 1,613,282 alleles (0.00012%); highest among the groups gnomAD compares: African/African-American, 0.0013%; no homozygotes.

Submission:

GeneDx
Classification: Uncertain significance. Last evaluated: 2021-05-05. Review status: criteria provided, single submitter. Criteria: GeneDx Variant Classification Process June 2021. Collection method: clinical testing. Allele origin: germline. Affected: yes.
Comment: Not observed in large population cohorts (Lek et al., 2016); Missense variant in a gene in which most reported pathogenic variants are truncating/loss-of-function; Has not been previously published as pathogenic or benign to our knowledge

NM_001267550.2(TTN):c.57434G>C (p.Ser19145Thr)

Genes: TTN (titin; minus strand), TTN-AS1 (TTN antisense RNA 1; plus strand). Cytogenetic location: 2q31.2.
Variant type: single nucleotide variant.
Coding change: c.57434G>C on transcript NM_001267550.2 (MANE Select); coding-DNA position 57434, G replaced by C.
Protein change: p.Ser19145Thr; replaces serine 19145 with threonine.
Molecular consequence: missense variant. On other transcripts: non-coding transcript variant (2).
Genome position (GRCh38, 1-based): chr2:178,597,648, C>G on the plus strand (G>C on the coding strand, the complement: TTN is on the minus strand). VCF-style: chr2-178597648-C-G. GRCh37 (hg19) VCF-style: chr2-179462375-C-G.
Other names: c.52511G>C, p.Ser17504Thr (NM_001256850.1); c.30239G>C, p.Ser10080Thr (NM_003319.4); c.49730G>C, p.Ser16577Thr (NM_133378.4); c.30614G>C, p.Ser10205Thr (NM_133432.3); c.30815G>C, p.Ser10272Thr (NM_133437.4); short protein forms S10080T, S10205T, S10272T, S16577T, S17504T, S19145T.
Identifiers: ClinVar variation 1320679 (VCV001320679.2), dbSNP rs2154189870, ClinGen allele CA349520633.